The following is an entry in ClinVar:

ClinVar aggregate classification (germline): Pathogenic/Likely pathogenic. Review status: criteria provided, multiple submitters, no conflicts (2 of 4 stars). 7 submissions from 7 submitters: Pathogenic (4); Likely pathogenic (2). 1 of the submissions does not count toward it. Last evaluated 2025-06-12.

Conditions:
Hypogonadotropic hypogonadism 7 with or without anosmia (HH7). Also called: GNRHR-Related GnRH Deficiency; HYPOGONADOTROPIC HYPOGONADISM 7 WITHOUT ANOSMIA. Identifiers: Orphanet 432, MedGen C0342384, MONDO:0007794, OMIM 146110.
Leukodystrophy, hypomyelinating, 7, with or without oligodontia and/or hypogonadotropic hypogonadism (HLD7). Also called: LEUKOENCEPHALOPATHY, HYPOMYELINATING, WITH ATAXIA AND DELAYED DENTITION; ATAXIA, DELAYED DENTITION, AND HYPOMYELINATION; LEUKODYSTROPHY, HYPOMYELINATING, 7, WITH OLIGODONTIA; LEUKODYSTROPHY, HYPOMYELINATING, 7, WITH OLIGODONTIA AND HYPOGONADOTROPIC HYPOGONADISM; LEUKODYSTROPHY, HYPOMYELINATING, 7, WITHOUT OLIGODONTIA OR HYPOGONADOTROPIC HYPOGONADISM; Ataxia, Delayed Dentition and Hypomyelination (ADDH). Identifiers: Orphanet 137639, Orphanet 447893, Orphanet 447896, Orphanet 77295, Orphanet 88637, MedGen CN034185, MONDO:0011897, OMIM 607694.
Leukodystrophy, hypomyelinating, 8, with or without oligodontia and/or hypogonadotropic hypogonadism. Also called: LEUKODYSTROPHY, HYPOMYELINATING, 8, WITH HYPODONTIA AND HYPOGONADOTROPIC HYPOGONADISM; Hypomyelinating leukodystrophy 8 with or without oligodontia and-or hypogonadotropic hypogonadism; Endosteal sclerosis-cerebellar hypoplasia syndrome. Identifiers: Orphanet 85186, Orphanet 88637, MedGen C3280644, MONDO:0013722, OMIM 614381.
Charcot-Marie-Tooth disease, demyelinating, IIA 1I. Also called: CHARCOT-MARIE-TOOTH NEUROPATHY, TYPE 1I; Charcot-Marie-Tooth disease, demyelinating, type 1I. Identifiers: MedGen C5676914, MONDO:0030677, OMIM 619742.
POLR3B-related disorder. Also called: POLR3B-related condition; POLR3B-related disorders. Identifiers: MedGen CN378588, MONDO:0700277.

Allele frequency attached by ClinVar (database versions not stated): gnomAD exomes 0.00001 and 0.00008; ExAC 0.00002; TOPMed 0.00001; gnomAD 0.00002.
gnomAD v4.1: 110 of 1,612,360 alleles (0.0068%); highest among the groups gnomAD compares: Non-Finnish European, 0.0091%; no homozygotes.

Submissions (8):

Labcorp Genetics (formerly Invitae), Labcorp
Classification: Pathogenic. Last evaluated: 2025-06-12. Review status: criteria provided, single submitter. Criteria: Invitae Variant Classification Sherloc (09022015). Collection method: clinical testing. Allele origin: germline.
Comment: This sequence change affects a donor splice site in intron 13 of the POLR3B gene. It is expected to disrupt RNA splicing. Variants that disrupt the donor or acceptor splice site typically lead to a loss of protein function (PMID: 16199547), and loss-of-function variants in POLR3B are known to be pathogenic (PMID: 25339210). This variant is present in population databases (rs774526181, gnomAD 0.002%). Disruption of this splice site has been observed in individuals with POLR3B-related conditions (PMID: 25339210). ClinVar contains an entry for this variant (Variation ID: 488794). Algorithms developed to predict the effect of sequence changes on RNA splicing suggest that this variant may disrupt the consensus splice site. For these reasons, this variant has been classified as Pathogenic.

GeneDx
Classification: Pathogenic. Last evaluated: 2022-08-05. Review status: criteria provided, single submitter. Criteria: GeneDx Variant Classification Process June 2021. Collection method: clinical testing. Allele origin: germline. Affected: yes.
Comment: Canonical splice site variant predicted to result in an in-frame deletion of a critical region; Not observed at a significant frequency in large population cohorts (gnomAD); This variant is associated with the following publications: (PMID: 25339210, 32342562)

Broad Center for Mendelian Genomics, Broad Institute of MIT and Harvard
Classification: Likely pathogenic for Leukodystrophy, hypomyelinating, 8, with or without oligodontia and/or hypogonadotropic hypogonadism. Last evaluated: 2022-02-24. Review status: criteria provided, single submitter. Criteria: ACMG Guidelines, 2015. Collection method: curation. Allele origin: germline. Inheritance: Autosomal recessive inheritance.
Comment: The c.1263+2T>C variant in POLR3B has been reported in at least 3 individuals with 4H leukodystrophy (PMID: 25339210) and has been identified in 0.002% (3/128790) of European (non-Finnish) chromosomes by the Genome Aggregation Database (gnomAD; dbSNP ID: rs774526181). Although this variant has been seen in the general population in a heterozygous state, its frequency is low enough to be consistent with a recessive carrier frequency. Of the 3 affected individuals, all were compound heterozygotes that carried reported pathogenic variants with unknown phase, which increases the likelihood that the c.1263+2T>C variant is pathogenic (VariationID: 31166; PMID: 25339210). This variant has also been reported in ClinVar (Variation ID#: 488794) and has been interpreted as likely pathogenic or pathogenic by GeneDx, GeneReviews, and Fulgent Genetics. This variant is located in the 3' splice region. Computational tools predict a splicing impact, though this information is not predictive enough to determine pathogenicity. This variant is adjacent to an in-frame exon and is more likely to escape nonsense mediated decay (NMD) and result in a truncated protein. Loss of function of the POLR3B gene is an established disease mechanism in autosomal recessive 4H leukodystrophy. In summary, although additional studies are required to fully establish its clinical significance, this variant is likely pathogenic for autosomal recessive 4H leukodystrophy. ACMG/AMP Criteria applied: PM2, PM3, PVS1_moderate (Richards 2015).

Blueprint Genetics
Classification: Pathogenic for POLR3B-related disorders. Last evaluated: 2022-02-08. Review status: criteria provided, single submitter. Criteria: ACMG Guidelines, 2015. Collection method: clinical testing. Allele origin: germline. Affected: yes. Observed: 2 variant alleles.

Molecular Diagnostics Lab, Nemours Children's Health, Delaware
Classification: Pathogenic for Charcot-Marie-Tooth disease, demyelinating, IIA 1I. Last evaluated: 2021-07-21. Review status: criteria provided, single submitter. Criteria: ACMG Guidelines, 2015. Collection method: clinical testing. Allele origin: unknown. Inheritance: Autosomal recessive inheritance. Affected: yes. Observed: 2 compound heterozygotes. Clinical features observed: Cerebellar hypoplasia (HP:0006806), Motor delay (HP:0001270), Cerebellar vermis hypoplasia (HP:0001320), Abnormality of the dentition (HP:0000164).
Comment: This variant (c.1263+2T>C) predicts splice alteration, and has not been observed in population databases (gnomAD) or reported in the literature.

Fulgent Genetics
Classification: Likely pathogenic for Hypogonadotropic hypogonadism 7 with or without anosmia; Leukodystrophy, hypomyelinating, 7, with or without oligodontia and/or hypogonadotropic hypogonadism; Leukodystrophy, hypomyelinating, 8, with or without oligodontia and/or hypogonadotropic hypogonadism. Last evaluated: 2018-10-31. Review status: criteria provided, single submitter. Criteria: ACMG Guidelines, 2015. Collection method: clinical testing. Allele origin: unknown.

Dr. Peter K. Rogan Lab, Western University
No classification provided (evidence only). Condition: Thyroid cancer, nonmedullary, 1. Review status: no classification provided. Collection method: in vitro. Allele origin: not applicable. Functional consequence: retained intron. Not counted in ClinVar's aggregate classification.

GeneReviews
No classification provided. Condition: Leukodystrophy, hypomyelinating, 8, with or without oligodontia and/or hypogonadotropic hypogonadism. Review status: no classification provided. Collection method: literature only. Allele origin: germline. Not counted in ClinVar's aggregate classification.

Literature cited by the submitters: PubMed 16199547 (cited by Labcorp Genetics (formerly Invitae), Labcorp); PubMed 25339210 (cited by Labcorp Genetics (formerly Invitae), Labcorp and GeneReviews); PubMed 22855961 (cited by GeneReviews).

NM_018082.6(POLR3B):c.1263+2T>C

Gene: POLR3B (RNA polymerase III subunit B; plus strand). Cytogenetic location: 12q23.3.
Variant type: single nucleotide variant.
Coding change: c.1263+2T>C on transcript NM_018082.6 (MANE Select); the canonical splice donor site of the intron after coding-DNA position 1263, T replaced by C.
Molecular consequence: splice donor variant.
Genome position (GRCh38, 1-based): chr12:106,427,360, T>C. VCF-style: chr12-106427360-T-C. GRCh37 (hg19) VCF-style: chr12-106821138-T-C.
Other names: c.1089+2T>C (NM_001160708.2).
Identifiers: ClinVar variation 488794 (VCV000488794.16), dbSNP rs774526181, ClinGen allele CA6761905.
Genomic context (GRCh38, chr12:106,427,360, plus strand): 5'-TTGTCAAACACATGCGCCAAGACCAGATCACCAATGGCATGGTGAATGCTATTTCTACCG[T>C]AAGTCTTCAGTCACTCTTTTAGGATTTTGTAATTTATTTGTAAACCTATTCAATAGAACA-3'